The following is an entry in ClinVar:

NM_022367.4(SEMA4A):c.1102del (p.Arg368fs)

Gene: SEMA4A (semaphorin 4A; plus strand). Cytogenetic location: 1q22.
Variant type: Deletion.
Coding change: c.1102del on transcript NM_022367.4 (MANE Select); coding-DNA position 1102, one base deleted (A; older notation c.1102delA).
Protein change: p.Arg368fs; shifts the reading frame from arginine 368.
Molecular consequence: frameshift variant.
Genome position (GRCh38, 1-based): chr1:156,163,062, A deleted. VCF-style (leftmost placement, unchanged base first): chr1-156163061-TA-T. GRCh37 (hg19) VCF-style: chr1-156132852-TA-T.
Other names: c.1102del, p.Arg368fs (NM_001193300.2, NM_001193301.2, NM_001370567.1); c.706del, p.Arg236fs (NM_001193302.2); c.805del, p.Arg269fs (NM_001370568.1); c.595del, p.Arg199fs (NM_001370569.1, NM_001370571.1); short protein forms R199fs, R236fs, R269fs, R368fs.
Identifiers: ClinVar variation 1057427 (VCV001057427.7), dbSNP rs750083077, ClinGen allele CA1155267.
Genomic context (GRCh38, chr1:156,163,061, plus strand): 5'-ACGTGTCTTTAAGGGGAAATACAAAGAGTTGAACAAAGAAACTTCACGCTGGACTACTTA[TA>T]GGGGCCCTGAGACCAACCCCCGGCCAGGCAGTGTGAGTACTACCCCCCACACTGAGCACA-3'

ClinVar aggregate classification (germline): Uncertain significance (1 of 4 stars; one submission).

Allele frequency attached by ClinVar (database versions not stated): gnomAD exomes below 0.00001; TOPMed below 0.00001; ExAC 0.00001; ESP Exome Variant Server 0.00008.

Submission:

Labcorp Genetics (formerly Invitae), Labcorp
Classification: Uncertain significance. Last evaluated: 2020-09-24. Review status: criteria provided, single submitter. Criteria: Invitae Variant Classification Sherloc (09022015). Collection method: clinical testing. Allele origin: germline.
Comment: In summary, the available evidence is currently insufficient to determine the role of this variant in disease. Therefore, it has been classified as a Variant of Uncertain Significance. The current clinical and genetic evidence is not sufficient to establish whether loss-of-function variants in SEMA4A cause disease. This variant has not been reported in the literature in individuals with SEMA4A-related conditions. The frequency data for this variant in the population databases is considered unreliable, as metrics indicate poor data quality at this position in the ExAC database. This sequence change creates a premature translational stop signal (p.Arg368Glyfs*22) in the SEMA4A gene. It is expected to result in an absent or disrupted protein product.